The following is an entry in ClinVar:

ClinVar aggregate classification (germline): Uncertain significance (1 of 4 stars; one submission).

Submission:

Labcorp Genetics (formerly Invitae), Labcorp
Classification: Uncertain significance. Last evaluated: 2024-01-20. Review status: criteria provided, single submitter. Criteria: Invitae Variant Classification Sherloc (09022015). Collection method: clinical testing. Allele origin: germline.
Comment: This variant results in a copy number gain of the genomic region encompassing exon(s) 2 of the SEPT9 gene. While the exact position of this variant cannot be determined from the data, sub-genic copy number gains are generally in tandem (PMID: 25640679). This variant is predicted to be in-frame, and likely preserves the integrity of the reading frame. A similar copy number variant has been observed in individual(s) with hereditary neuralgic amyotrophy (PMID: 30019529). It has also been observed to segregate with disease in related individuals. A similar copy number variant has been observed in at least one individual who was not affected with SEPT9-related conditions (Invitae). Experimental studies and prediction algorithms are not available or were not evaluated, and the functional significance of this variant is currently unknown. In summary, the available evidence is currently insufficient to determine the role of this variant in disease. Therefore, it has been classified as a Variant of Uncertain Significance.

Literature cited by the submitters: PubMed 25640679; PubMed 30019529.

NC_000017.10:g.(?_75398121)_(75398805_?)dup

Gene: SEPTIN9 (septin 9; plus strand). Cytogenetic location: 17q25.3.
Variant type: Duplication.
Identifiers: ClinVar variation 2445498 (VCV002445498.2).